The following is an entry in ClinVar:

ClinVar aggregate classification (germline): Uncertain significance (1 of 4 stars; one submission).

Conditions:
BBS4-related disorder. Also called: BBS4-related condition.

gnomAD v4.1: 2 of 1,613,714 alleles (0.00012%); highest among the groups gnomAD compares: Non-Finnish European, 0.00017%; no homozygotes.

Submission:

PreventionGenetics, part of Exact Sciences
Classification: Uncertain significance for BBS4-related condition. Last evaluated: 2025-03-10. Review status: criteria provided, single submitter. Criteria: ACMG Guidelines, 2015. Collection method: clinical testing. Allele origin: germline.
Comment: The BBS4 c.208A>C variant is predicted to result in the amino acid substitution p.Ile70Leu. To our knowledge, this variant has not been reported in the literature or in a large population database (gnomAD), indicating this variant is rare. At this time, the clinical significance of this variant is uncertain due to the absence of conclusive functional and genetic evidence.

NM_033028.5(BBS4):c.208A>C (p.Ile70Leu)

Gene: BBS4 (Bardet-Biedl syndrome 4; plus strand). Cytogenetic location: 15q24.1.
Variant type: single nucleotide variant.
Coding change: c.208A>C on transcript NM_033028.5 (MANE Select); coding-DNA position 208, A replaced by C.
Protein change: p.Ile70Leu; replaces isoleucine 70 with leucine.
Molecular consequence: missense variant. On other transcripts: 5 prime UTR variant (1), non-coding transcript variant (2).
Genome position (GRCh38, 1-based): chr15:72,712,295, A>C. VCF-style: chr15-72712295-A-C. GRCh37 (hg19) VCF-style: chr15-73004636-A-C.
Other names: c.-314A>C (NM_001252678.2); c.208A>C, p.Ile70Leu (NM_001320665.2); short protein forms I70L.
Identifiers: ClinVar variation 4986285 (VCV004986285.1).
Genomic context (GRCh38, chr15:72,712,295, plus strand): 5'-CTCTTTCAGGCTGTTATCAAAGAACAGCTTCAAGAGACTCAGGGATTGTGTGAATATGCT[A>C]TCTATGTCCAAGGTAAGACACATACTTCTTGTCTTCTTGCTAGAGAAATACACTTTTCCT-3'
Protein context (NP_149017.2, residues 60-80): QETQGLCEYA[Ile70Leu]YVQALIFRLE